The following is an entry in ClinVar:

NM_006031.6(PCNT):c.2925C>T (p.Tyr975=)

Gene: PCNT (pericentrin; plus strand). Cytogenetic location: 21q22.3.
Variant type: single nucleotide variant.
Coding change: c.2925C>T on transcript NM_006031.6 (MANE Select); coding-DNA position 2925, C replaced by T.
Protein change: p.Tyr975=; no amino-acid change (tyrosine 975 retained).
Molecular consequence: synonymous variant.
Genome position (GRCh38, 1-based): chr21:46,366,899, C>T. VCF-style: chr21-46366899-C-T. GRCh37 (hg19) VCF-style: chr21-47786814-C-T.
Other names: c.2925C>T (NM_006031.5); c.2571C>T, p.Tyr857= (NM_001315529.2).
Identifiers: ClinVar variation 2978158 (VCV002978158.4), dbSNP rs754013009, ClinGen allele CA10079132.

ClinVar aggregate classification (germline): Likely benign. Review status: criteria provided, single submitter (1 of 4 stars). 2 submissions from 2 submitters: Likely benign (1). 1 of the submissions does not count toward it. Last evaluated 2023-09-15.

Conditions:
PCNT-related disorder. Also called: PCNT-related condition.

Allele frequency attached by ClinVar (database versions not stated): TOPMed 0.00001; ExAC 0.00002; gnomAD exomes 0.00002.
gnomAD v4.1: 31 of 1,614,224 alleles (0.0019%); highest among the groups gnomAD compares: Non-Finnish European, 0.0025%; no homozygotes.

Submissions (2):

Labcorp Genetics (formerly Invitae), Labcorp
Classification: Likely benign. Last evaluated: 2023-09-15. Review status: criteria provided, single submitter. Criteria: Invitae Variant Classification Sherloc (09022015). Collection method: clinical testing. Allele origin: germline.

PreventionGenetics, part of Exact Sciences
Classification: Likely benign for PCNT-related condition. Last evaluated: 2024-07-20. Review status: no assertion criteria provided. Collection method: clinical testing. Allele origin: germline. Not counted in ClinVar's aggregate classification.
Comment: This variant is classified as likely benign based on ACMG/AMP sequence variant interpretation guidelines (Richards et al. 2015 PMID: 25741868, with internal and published modifications).